The following is an entry in ClinVar:

ClinVar aggregate classification (germline): Pathogenic (0 of 4 stars; one submission).

Submission:

SNPedia
Classification: Pathogenic. Review status: no assertion criteria provided. Collection method: not provided. Allele origin: germline.
ClinVar note: Converted during submission from pathogenic to Pathogenic.

NM_152564.5(VPS13B):c.11489_11490del (p.Tyr3830fs)

Gene: VPS13B (vacuolar protein sorting 13 homolog B; plus strand). Cytogenetic location: 8q22.2.
Variant type: Microsatellite.
Coding change: c.11489_11490del on transcript NM_152564.5 (MANE Select); coding-DNA positions 11489 to 11490, 2 bases deleted (AT; older notation c.11489_11490delAT).
Protein change: p.Tyr3830fs; shifts the reading frame from tyrosine 3830.
Molecular consequence: frameshift variant.
Genome position (GRCh38, 1-based): chr8:99,870,881-99,870,882, AT deleted; deleting any 2 consecutive bases within chr8:99,870,879-99,870,882 gives the same sequence; the c. name uses the placement nearest the transcript's 3' end. VCF-style (leftmost placement, unchanged base first): chr8-99870878-AAT-A. GRCh37 (hg19) VCF-style: chr8-100883106-AAT-A.
Other names: c.11564_11565del, p.Tyr3855fs (NM_017890.5); short protein forms Y3830fs, Y3855fs.
Identifiers: ClinVar variation 68082 (VCV000068082.2), dbSNP rs180177373, ClinGen allele CA284775.